The following is an entry in ClinVar:

NM_004385.5(VCAN):c.2707G>A (p.Glu903Lys)

Gene: VCAN (versican; plus strand). Cytogenetic location: 5q14.3.
Variant type: single nucleotide variant.
Coding change: c.2707G>A on transcript NM_004385.5 (MANE Select); coding-DNA position 2707, G replaced by A.
Protein change: p.Glu903Lys; replaces glutamic acid 903 with lysine.
Molecular consequence: missense variant. On other transcripts: intron variant (2).
Genome position (GRCh38, 1-based): chr5:83,521,013, G>A. VCF-style: chr5-83521013-G-A. GRCh37 (hg19) VCF-style: chr5-82816832-G-A.
Other names: c.2707G>A, p.Glu903Lys (NM_001164098.2); c.1042+8617G>A (NM_001164097.2, NM_001126336.3); short protein forms E903K.
Identifiers: ClinVar variation 1969246 (VCV001969246.5), dbSNP rs1172510283, ClinGen allele CA360304515.
Genomic context (GRCh38, chr5:83,521,013, plus strand): 5'-TTTCAGCCAACTACATCAACTGGTATTGCAGAAAAGTCAACTTTGAGAGATTCTACAACT[G>A]AAGAAAAAGTTCCACCTATCACAAGCACTGAAGGCCAAGTTTATGCAACCATGGAAGGAA-3'
Protein context (NP_004376.2, residues 893-913): EKSTLRDSTT[Glu903Lys]EKVPPITSTE

ClinVar aggregate classification (germline): Uncertain significance (1 of 4 stars; one submission).

Allele frequency attached by ClinVar (database versions not stated): gnomAD exomes below 0.00001.
gnomAD v4.1: 2 of 1,613,506 alleles (0.00012%); highest among the groups gnomAD compares: Admixed American, 0.0017%; no homozygotes.

Submission:

Labcorp Genetics (formerly Invitae), Labcorp
Classification: Uncertain significance. Last evaluated: 2025-12-08. Review status: criteria provided, single submitter. Criteria: Invitae Variant Classification Sherloc (09022015). Collection method: clinical testing. Allele origin: germline.
Comment: This sequence change replaces glutamic acid, which is acidic and polar, with lysine, which is basic and polar, at codon 903 of the VCAN protein (p.Glu903Lys). This variant is present in population databases (no rsID available, gnomAD 0.003%). This variant has not been reported in the literature in individuals affected with VCAN-related conditions. ClinVar contains an entry for this variant (Variation ID: 1969246). An algorithm developed to predict the effect of missense changes on protein structure and function outputs the following: PolyPhen-2: "Benign". The lysine amino acid residue is found in multiple mammalian species, which suggests that this missense change does not adversely affect protein function. In summary, the available evidence is currently insufficient to determine the role of this variant in disease. Therefore, it has been classified as a Variant of Uncertain Significance.